The following is an entry in ClinVar:

NM_152424.4(AMER1):c.937T>C (p.Phe313Leu)

Gene: AMER1 (APC membrane recruitment protein 1; minus strand). Cytogenetic location: Xq11.2.
Variant type: single nucleotide variant.
Coding change: c.937T>C on transcript NM_152424.4 (MANE Select); coding-DNA position 937, T replaced by C.
Protein change: p.Phe313Leu; replaces phenylalanine 313 with leucine.
Molecular consequence: missense variant.
Genome position (GRCh38, 1-based): chrX:64,192,350, A>G on the plus strand (T>C on the coding strand, the complement: AMER1 is on the minus strand). VCF-style: chrX-64192350-A-G. GRCh37 (hg19) VCF-style: chrX-63412230-A-G.
Other names: short protein forms F313L.
Identifiers: ClinVar variation 2073581 (VCV002073581.4), dbSNP rs1930267473, ClinGen allele CA413308881.

ClinVar aggregate classification (germline): Uncertain significance (1 of 4 stars; one submission).

Allele frequency attached by ClinVar (database versions not stated): gnomAD exomes below 0.00001; TOPMed 0.00001.
gnomAD v4.1: 2 of 1,212,124 alleles (0.00016%); highest among the groups gnomAD compares: Non-Finnish European, 0.00022%; no homozygotes.

Submission:

Labcorp Genetics (formerly Invitae), Labcorp
Classification: Uncertain significance. Last evaluated: 2022-04-22. Review status: criteria provided, single submitter. Criteria: Invitae Variant Classification Sherloc (09022015). Collection method: clinical testing. Allele origin: germline.
Comment: This sequence change replaces phenylalanine, which is neutral and non-polar, with leucine, which is neutral and non-polar, at codon 313 of the AMER1 protein (p.Phe313Leu). This variant is not present in population databases (gnomAD no frequency). In summary, the available evidence is currently insufficient to determine the role of this variant in disease. Therefore, it has been classified as a Variant of Uncertain Significance. Algorithms developed to predict the effect of missense changes on protein structure and function are either unavailable or do not agree on the potential impact of this missense change (SIFT: "Deleterious"; PolyPhen-2: "Possibly Damaging"; Align-GVGD: "Class C0"). This variant has not been reported in the literature in individuals affected with AMER1-related conditions.